The following is an entry in ClinVar:

ClinVar aggregate classification (germline): Uncertain significance. Review status: criteria provided, multiple submitters, no conflicts (2 of 4 stars). 2 submissions from 2 submitters: Uncertain significance (2). Last evaluated 2025-08-08.

Allele frequency attached by ClinVar (database versions not stated): gnomAD exomes below 0.00001.
gnomAD v4.1: 1 of 1,480,612 alleles (0.000068%); highest among the groups gnomAD compares: South Asian, 0.0015%; no homozygotes.

Submissions (2):

Labcorp Genetics (formerly Invitae), Labcorp
Classification: Uncertain significance. Last evaluated: 2025-08-08. Review status: criteria provided, single submitter. Criteria: Invitae Variant Classification Sherloc (09022015). Collection method: clinical testing. Allele origin: germline.
Comment: This sequence change replaces asparagine, which is neutral and polar, with serine, which is neutral and polar, at codon 142 of the ADGRV1 protein (p.Asn142Ser). This variant is not present in population databases (gnomAD no frequency). This missense change has been observed in individual(s) with clinical features of ADGRV1-related conditions (PMID: 29048421). ClinVar contains an entry for this variant (Variation ID: 179145). Invitae Evidence Modeling of protein sequence and biophysical properties (such as structural, functional, and spatial information, amino acid conservation, physicochemical variation, residue mobility, and thermodynamic stability) indicates that this missense variant is not expected to disrupt ADGRV1 protein function with a negative predictive value of 95%. In summary, the available evidence is currently insufficient to determine the role of this variant in disease. Therefore, it has been classified as a Variant of Uncertain Significance.

Laboratory for Molecular Medicine, Mass General Brigham Personalized Medicine
Classification: Uncertain significance. Last evaluated: 2013-08-16. Review status: criteria provided, single submitter. Criteria: LMM Criteria. Collection method: clinical testing. Allele origin: germline. Observed: 1 variant allele.
Comment: The Asn142Ser variant in GPR98 has not been reported in individuals with hearing loss and was found to be absent from large population studies. Computational an alyses biochemical amino acid properties, conservation, AlignGVGD, PolyPhen2, an d SIFT) do not provide strong support for or against an impact to the protein. I n summary, additional information is needed to fully assess the clinical signifi cance of the Asn142Ser variant.

Literature cited by the submitters: PubMed 29048421 (cited by Labcorp Genetics (formerly Invitae), Labcorp).

NM_032119.4(ADGRV1):c.425A>G (p.Asn142Ser)

Gene: ADGRV1 (adhesion G protein-coupled receptor V1; plus strand). Cytogenetic location: 5q14.3.
Variant type: single nucleotide variant.
Coding change: c.425A>G on transcript NM_032119.4 (MANE Select); coding-DNA position 425, A replaced by G.
Protein change: p.Asn142Ser; replaces asparagine 142 with serine.
Molecular consequence: missense variant. On other transcripts: non-coding transcript variant (1).
Genome position (GRCh38, 1-based): chr5:90,619,153, A>G. VCF-style: chr5-90619153-A-G. GRCh37 (hg19) VCF-style: chr5-89914970-A-G.
Other names: short protein forms N142S.
Identifiers: ClinVar variation 179145 (VCV000179145.10), dbSNP rs727504665, ClinGen allele CA183806.